The following is an entry in ClinVar:

NM_001162501.2(TNRC6B):c.3887A>G (p.Gln1296Arg)

Gene: TNRC6B (trinucleotide repeat containing adaptor 6B; plus strand). Cytogenetic location: 22q13.1.
Variant type: single nucleotide variant.
Coding change: c.3887A>G on transcript NM_001162501.2 (MANE Select); coding-DNA position 3887, A replaced by G.
Protein change: p.Gln1296Arg; replaces glutamine 1296 with arginine.
Molecular consequence: missense variant.
Genome position (GRCh38, 1-based): chr22:40,300,956, A>G. VCF-style: chr22-40300956-A-G. GRCh37 (hg19) VCF-style: chr22-40696960-A-G.
Other names: c.1475A>G, p.Gln492Arg (NM_001024843.2); c.3557A>G, p.Gln1186Arg (NM_015088.3); short protein forms Q1186R, Q1296R, Q492R.
Identifiers: ClinVar variation 1331298 (VCV001331298.3), dbSNP rs2146548171, ClinGen allele CA411661285.

ClinVar aggregate classification (germline): Uncertain significance (1 of 4 stars; one submission).

Allele frequency attached by ClinVar (database versions not stated): gnomAD exomes below 0.00001.
gnomAD v4.1: 1 of 1,613,830 alleles (0.000062%); highest among the groups gnomAD compares: Non-Finnish European, 0.000085%; no homozygotes.

Submission:

GeneDx
Classification: Uncertain significance. Last evaluated: 2025-01-07. Review status: criteria provided, single submitter. Criteria: GeneDx Variant Classification Process June 2021. Collection method: clinical testing. Allele origin: germline. Affected: yes.
Comment: Not observed at significant frequency in large population cohorts (gnomAD); In silico analysis supports that this missense variant has a deleterious effect on protein structure/function; Has not been previously published as pathogenic or benign to our knowledge